The following is an entry in ClinVar:

NM_005632.3(CAPN15):c.1838C>T (p.Ser613Leu)

Gene: CAPN15 (calpain 15; plus strand). Cytogenetic location: 16p13.3.
Variant type: single nucleotide variant.
Coding change: c.1838C>T on transcript NM_005632.3 (MANE Select); coding-DNA position 1838, C replaced by T.
Protein change: p.Ser613Leu; replaces serine 613 with leucine.
Molecular consequence: missense variant.
Genome position (GRCh38, 1-based): chr16:549,467, C>T. VCF-style: chr16-549467-C-T. GRCh37 (hg19) VCF-style: chr16-599467-C-T.
Other names: c.1838C>T (NM_005632.2); short protein forms S613L.
Identifiers: ClinVar variation 1074293 (VCV001074293.4), dbSNP rs374949685, ClinGen allele CA7778465.

ClinVar aggregate classification (germline): Conflicting classifications of pathogenicity. Review status: criteria provided, conflicting classifications (1 of 4 stars). 3 submissions from 3 submitters: Likely pathogenic (1); Uncertain significance (1). 1 of the submissions does not count toward it. Last evaluated 2023-09-19.

Conditions:
Oculogastrointestinal-neurodevelopmental syndrome. Identifiers: Orphanet 611201, MedGen C5543355, MONDO:0036189, OMIM 619318.
CAPN15-related disorder. Also called: CAPN15-related condition.

Allele frequency attached by ClinVar (database versions not stated): gnomAD 0.00001; gnomAD exomes 0.00001 and 0.00002; TOPMed 0.00001; ESP Exome Variant Server 0.00008.
gnomAD v4.1: 13 of 1,590,254 alleles (0.00082%); highest among the groups gnomAD compares: Non-Finnish European, 0.0011%; no homozygotes.

Submissions (3):

Blueprint Genetics
Classification: Likely pathogenic for CAPN15-related disorders. Last evaluated: 2023-09-19. Review status: criteria provided, single submitter. Criteria: ACMG Guidelines, 2015. Collection method: clinical testing. Allele origin: germline. Affected: yes. Observed: 5 variant alleles.

GeneDx
Classification: Uncertain significance. Last evaluated: 2022-02-12. Review status: criteria provided, single submitter. Criteria: GeneDx Variant Classification Process June 2021. Collection method: clinical testing. Allele origin: germline. Affected: yes.
Comment: In silico analysis supports that this missense variant has a deleterious effect on protein structure/function; This variant is associated with the following publications: (PMID: 32885237)

OMIM
Classification: Pathogenic for OCULOGASTROINTESTINAL NEURODEVELOPMENTAL SYNDROME. Last evaluated: 2021-05-07. Review status: no assertion criteria provided. Collection method: literature only. Allele origin: germline. Not counted in ClinVar's aggregate classification.

Literature cited by the submitters: PubMed 32885237 (cited by OMIM).